The following is an entry in ClinVar:

ClinVar aggregate classification (germline): Uncertain significance (1 of 4 stars; one submission).

Allele frequency attached by ClinVar (database versions not stated): gnomAD exomes below 0.00001; ExAC 0.00001; gnomAD 0.00001; TOPMed 0.00002.
gnomAD v4.1: 9 of 1,614,060 alleles (0.00056%); highest among the groups gnomAD compares: East Asian, 0.0045%; no homozygotes.

Submission:

Women's Health and Genetics/Laboratory Corporation of America, LabCorp
Classification: Uncertain significance. Last evaluated: 2021-04-07. Review status: criteria provided, single submitter. Criteria: LabCorp Variant Classification Summary - May 2015. Collection method: clinical testing. Allele origin: germline.
Comment: Variant summary: BRPF1 c.2441G>A (p.Arg814His) results in a non-conservative amino acid change in the encoded protein sequence. Three of five in-silico tools predict a damaging effect of the variant on protein function. The variant allele was found at a frequency of 4e-06 in 250782 control chromosomes (gnomAD). The available data on variant occurrences in the general population are insufficient to allow any conclusion about variant significance. c.2441G>A has been reported in the literature as a somatic occurrence (Lee_2017). This report however, does not provide unequivocal conclusions about association of the variant with Intellectual Developmental Disorder with Dysmorphic Facies and Ptosis. To our knowledge, no experimental evidence demonstrating an impact on protein function has been reported. No clinical diagnostic laboratories have submitted clinical-significance assessments for this variant to ClinVar after 2014. Based on the evidence outlined above, the variant was classified as uncertain significance.

Literature cited by the submitters: PubMed 28263318.

NM_001003694.2(BRPF1):c.2441G>A (p.Arg814His)

Gene: BRPF1 (bromodomain and PHD finger containing 1; plus strand). Cytogenetic location: 3p25.3.
Variant type: single nucleotide variant.
Coding change: c.2441G>A on transcript NM_001003694.2 (MANE Select); coding-DNA position 2441, G replaced by A.
Protein change: p.Arg814His; replaces arginine 814 with histidine.
Molecular consequence: missense variant. On other transcripts: non-coding transcript variant (1).
Genome position (GRCh38, 1-based): chr3:9,743,707, G>A. VCF-style: chr3-9743707-G-A. GRCh37 (hg19) VCF-style: chr3-9785391-G-A.
Other names: c.2423G>A, p.Arg808His (NM_001319049.2, NM_004634.3); c.2420G>A, p.Arg807His (NM_001319050.2); short protein forms R807H, R808H, R814H.
Identifiers: ClinVar variation 1065144 (VCV001065144.1), dbSNP rs769038359, ClinGen allele CA2242125.
Genomic context (GRCh38, chr3:9,743,707, plus strand): 5'-TGCTTCTGGAGCGGCTGGACGAAGTGAATGCCAGCAAGCAGAGTGTGGGCCGCTCACGGC[G>A]TGCAAAGATGATCAAGAAAGAGATGACGGCACTGCGGCGGAAGCTTGCCCATCAGCGAGA-3'
Protein context (NP_001003694.1, residues 804-824): ASKQSVGRSR[Arg814His]AKMIKKEMTA